The following is an entry in ClinVar:

ClinVar aggregate classification (germline): Likely benign (0 of 4 stars; one submission).

Conditions:
DOCK6-related disorder. Also called: DOCK6-related condition.

Allele frequency attached by ClinVar (database versions not stated): ExAC 0.00001; gnomAD 0.00002; gnomAD exomes 0.00002; TOPMed 0.00003; ESP Exome Variant Server 0.00008.

Submission:

PreventionGenetics, part of Exact Sciences
Classification: Likely benign for DOCK6-related condition. Last evaluated: 2020-07-28. Review status: no assertion criteria provided. Collection method: clinical testing. Allele origin: germline.
Comment: This variant is classified as likely benign based on ACMG/AMP sequence variant interpretation guidelines (Richards et al. 2015 PMID: 25741868, with internal and published modifications).

NM_020812.4(DOCK6):c.874-3C>T

Gene: DOCK6 (dedicator of cytokinesis 6; minus strand). Cytogenetic location: 19p13.2.
Variant type: single nucleotide variant.
Coding change: c.874-3C>T on transcript NM_020812.4 (MANE Select); 3 bases into the intron before coding-DNA position 874, C replaced by T.
Molecular consequence: intron variant.
Genome position (GRCh38, 1-based): chr19:11,245,715, G>A on the plus strand (C>T on the coding strand, the complement: DOCK6 is on the minus strand). VCF-style: chr19-11245715-G-A. GRCh37 (hg19) VCF-style: chr19-11356391-G-A.
Other names: c.874-3C>T (NM_001367830.1).
Identifiers: ClinVar variation 3036973 (VCV003036973.2), dbSNP rs373711723, ClinGen allele CA9208305.